The following is an entry in ClinVar:

NM_194248.3(OTOF):c.5405C>T (p.Ala1802Val)

Gene: OTOF (otoferlin; minus strand). Cytogenetic location: 2p23.3.
Variant type: single nucleotide variant.
Coding change: c.5405C>T on transcript NM_194248.3 (MANE Select); coding-DNA position 5405, C replaced by T.
Protein change: p.Ala1802Val; replaces alanine 1802 with valine.
Molecular consequence: missense variant.
Genome position (GRCh38, 1-based): chr2:26,461,824, G>A on the plus strand (C>T on the coding strand, the complement: OTOF is on the minus strand). VCF-style: chr2-26461824-G-A. GRCh37 (hg19) VCF-style: chr2-26684692-G-A.
Other names: NM_194248.3(OTOF):c.5405C>T; p.Ala1802Val; c.5405C>T, p.Ala1802Val (NM_001287489.2); c.3104C>T, p.Ala1035Val (NM_004802.4, NM_194323.3); c.3335C>T, p.Ala1112Val (NM_194322.3); short protein forms A1035V, A1112V, A1802V.
Identifiers: ClinVar variation 897955 (VCV000897955.38), dbSNP rs144562626, ClinGen allele CA1562832.

ClinVar aggregate classification (germline): Uncertain significance. Review status: reviewed by expert panel (3 of 4 stars). 7 submissions from 7 submitters: Uncertain significance (1). 6 of the submissions do not count toward it. Last evaluated 2025-03-12.

Conditions:
Nonsyndromic genetic hearing loss. Also called: Nonsyndromic hearing loss and deafness; Non-syndromic genetic deafness; Nonsyndromic genetic deafness. Identifiers: Orphanet 87884, MedGen C5680182, MONDO:0019497.
Autosomal recessive nonsyndromic hearing loss 9. Also called: NEUROSENSORY NONSYNDROMIC RECESSIVE DEAFNESS 9; Deafness, autosomal recessive 9; AUDITORY NEUROPATHY, AUTOSOMAL RECESSIVE, 1, TEMPERATURE-SENSITIVE; OTOF-Related Hearing Loss. Identifiers: Orphanet 90636, MedGen C1832828, MONDO:0010986, OMIM 601071.

Allele frequency attached by ClinVar (database versions not stated): gnomAD 0.00011; gnomAD exomes 0.00012 and 0.00016; ExAC 0.00014; TOPMed 0.00015; ESP Exome Variant Server 0.00023.
gnomAD v4.1: 196 of 1,614,148 alleles (0.012%); highest among the groups gnomAD compares: Middle Eastern, 0.13%; no homozygotes.

Submissions (7):

ClinGen Hearing Loss Variant Curation Expert Panel
Classification: Uncertain significance for Nonsyndromic genetic hearing loss. Last evaluated: 2025-03-12. Review status: reviewed by expert panel. Criteria: clingen hl acmg specifications otof myo15a v1. Collection method: curation. Allele origin: germline. Inheritance: Autosomal recessive inheritance.
Comment: The NM_194248.3:c.5405C>T variant in the OTOF gene is a missense variant predicted to cause the substitution of alanine by valine at amino acid 1802 (p.Ala1802Val). The filtering allele frequency in gnomAD v4.1.0 was 0.09139% (47/44874 alleles) in the East Asian population meeting BS1_Supporting. The REVEL computational prediction analysis tool produced a score of 0.729, which is above the threshold necessary to apply PP3, and the amino acid residue is well conserved in UCSC (PP3). This variant has been identified in compound heterozygous state with rare variants in 2 patients with hearing loss meeting PM3_Supporting (PMID: 31095577, 34536124). The variant was also observed in the heterozygous state along with heterozygous variants in other hearing loss related genes (Laboratory for Molecular Medicine at Mass General Brigham, ClinVar Accsession SCV001365886.1). In summary, this variant has been classified as a variant of uncertain significance for autosomal recessive nonsyndromic genetic hearing loss based on the ACMG/AMP criteria applied, as specified by the ClinGen Hearing Loss VCEP: BS1_Supporting, PM3_Supporting, PP3 (ClinGen Hearing Loss VCEP specifications version 1; 3/12/2025).

Dasa
Classification: Uncertain significance. Last evaluated: 2025-06-03. Review status: criteria provided, single submitter. Criteria: DASA Assertion Criteria. Collection method: clinical testing. Allele origin: germline. Not counted in ClinVar's aggregate classification.
Comment: NM_194248.3(OTOF):c.5405C>T (p.Ala1802Val) is a missense variant that results in the substitution of alanine with valine. This variant has been reported in individuals with OTOF-related disorders (PMID: 31095577). Also, this variant is rare in population databases. Computational prediction algorithms are consistent with a deleterious effect. The currently available literature and clinical evidence are not sufficient to establish a definitive association between this variant and the reported condition. Therefore, this variant is classified as a variant of uncertain significance.

Blueprint Genetics
Classification: Uncertain significance. Last evaluated: 2024-10-22. Review status: criteria provided, single submitter. Criteria: ACMG Guidelines, 2015. Collection method: clinical testing. Allele origin: germline. Not counted in ClinVar's aggregate classification.

CeGaT Center for Human Genetics Tuebingen
Classification: Uncertain significance. Last evaluated: 2022-03-01. Review status: criteria provided, single submitter. Criteria: CeGaT Center For Human Genetics Tuebingen Variant Classification Criteria Version 2. Collection method: clinical testing. Allele origin: germline. Affected: yes. Observed: 1 variant allele. Not counted in ClinVar's aggregate classification.
Comment: OTOF: PM2, PM3

Laboratory for Molecular Medicine, Mass General Brigham Personalized Medicine
Classification: Uncertain significance. Last evaluated: 2020-02-11. Review status: criteria provided, single submitter. Criteria: LMM Criteria. Collection method: clinical testing. Allele origin: germline. Observed: 1 variant allele. Not counted in ClinVar's aggregate classification.
Comment: The p.Ala1802Val variant in OTOF has been reported in 7 alleles from a cohort of Japanese individuals with hearing loss, including two compound heterozygotes with a second variant of uncertain significance in OTOF, though it was not clear if phasing was performed (Iwasa 2019). It has also been identified in 0.05% (10/19952) of East Asian chromosomes by gnomAD. Computational prediction tools and conservation analyses do not provide strong support for or against an impact to the protein. In summary, the clinical significance of this variant is uncertain. ACMG/AMP Criteria applied: PM2_Supporting.

Illumina Laboratory Services, Illumina
Classification: Uncertain significance for Autosomal recessive nonsyndromic hearing loss 9. Last evaluated: 2018-01-13. Review status: criteria provided, single submitter. Criteria: ICSL Variant Classification Criteria 13 December 2019. Collection method: clinical testing. Allele origin: germline. Not counted in ClinVar's aggregate classification.

Breakthrough Genomics
Classification: Uncertain significance. Review status: criteria provided, single submitter. Criteria: ACMG Guidelines, 2015. Collection method: not provided. Allele origin: germline. Inheritance: Autosomal recessive inheritance. Affected: yes. Not counted in ClinVar's aggregate classification.

Literature cited by the submitters: PubMed 31095577 (cited by Dasa and Laboratory for Molecular Medicine, Mass General Brigham Personalized Medicine).